The following is an entry in ClinVar:

ClinVar aggregate classification (germline): Pathogenic (1 of 4 stars; one submission).

Conditions:
Deficiency of hydroxymethylglutaryl-CoA lyase (HMGCLD). Also called: Defect in leucine metabolism; 3-hydroxy-3-methylglutaric aciduria; HMGCL DEFICIENCY; HYDROXYMETHYLGLUTARIC ACIDURIA; HMG-CoA LYASE DEFICIENCY. Identifiers: Orphanet 20, MedGen C1533587, MONDO:0009520, OMIM 246450.

Submission:

Labcorp Genetics (formerly Invitae), Labcorp
Classification: Pathogenic for Deficiency of hydroxymethylglutaryl-CoA lyase. Last evaluated: 2022-08-30. Review status: criteria provided, single submitter. Criteria: Invitae Variant Classification Sherloc (09022015). Collection method: clinical testing. Allele origin: germline.
Comment: For these reasons, this variant has been classified as Pathogenic. This variant disrupts a region of the HMGCL protein in which other variant(s) (p.Phe305Tyrfs*10) have been determined to be pathogenic (PMID: 2443756, 6085636, 9463337). This suggests that this is a clinically significant region of the protein, and that variants that disrupt it are likely to be disease-causing. This variant has not been reported in the literature in individuals affected with HMGCL-related conditions. This variant is a gross deletion of the genomic region encompassing exon(s) 9 of the HMGCL gene, which includes the termination codon. This deletion extends beyond the assayed region for this gene and therefore may encompass additional genes. While this deletion is not anticipated to lead to nonsense mediated decay, it is expected to alter mRNA translation or result in a truncated protein product.

Literature cited by the submitters: PubMed 2443756; PubMed 6085636; PubMed 9463337.

NC_000001.10:g.(?_24128943)_(24129064_?)del

Gene: HMGCL (3-hydroxy-3-methylglutaryl-CoA lyase; minus strand). Cytogenetic location: 1p36.11.
Variant type: Deletion.
Identifiers: ClinVar variation 2422558 (VCV002422558.4).